The following is an entry in ClinVar:

ClinVar aggregate classification (germline): Uncertain significance (1 of 4 stars; one submission).

Allele frequency attached by ClinVar (database versions not stated): gnomAD 0.00001.
gnomAD v4.1: 4 of 1,558,570 alleles (0.00026%); highest among the groups gnomAD compares: Non-Finnish European, 0.00035%; no homozygotes.

Submission:

Labcorp Genetics (formerly Invitae), Labcorp
Classification: Uncertain significance. Last evaluated: 2024-01-22. Review status: criteria provided, single submitter. Criteria: Invitae Variant Classification Sherloc (09022015). Collection method: clinical testing. Allele origin: germline.
Comment: This sequence change replaces glycine, which is neutral and non-polar, with valine, which is neutral and non-polar, at codon 1817 of the CCDC88C protein (p.Gly1817Val). This variant is not present in population databases (gnomAD no frequency). This variant has not been reported in the literature in individuals affected with CCDC88C-related conditions. An algorithm developed to predict the effect of missense changes on protein structure and function (PolyPhen-2) suggests that this variant is likely to be disruptive. In summary, the available evidence is currently insufficient to determine the role of this variant in disease. Therefore, it has been classified as a Variant of Uncertain Significance.

NM_001080414.4(CCDC88C):c.5450G>T (p.Gly1817Val)

Gene: CCDC88C (coiled-coil domain containing 88C; minus strand). Cytogenetic location: 14q32.11.
Variant type: single nucleotide variant.
Coding change: c.5450G>T on transcript NM_001080414.4 (MANE Select); coding-DNA position 5450, G replaced by T.
Protein change: p.Gly1817Val; replaces glycine 1817 with valine.
Molecular consequence: missense variant.
Genome position (GRCh38, 1-based): chr14:91,273,262, C>A on the plus strand (G>T on the coding strand, the complement: CCDC88C is on the minus strand). VCF-style: chr14-91273262-C-A. GRCh37 (hg19) VCF-style: chr14-91739606-C-A.
Other names: short protein forms G1817V.
Identifiers: ClinVar variation 2888381 (VCV002888381.2), dbSNP rs1889818458, ClinGen allele CA390609610.